The following is an entry in ClinVar:

ClinVar aggregate classification (germline): Benign/Likely benign. Review status: criteria provided, multiple submitters, no conflicts (2 of 4 stars). 11 submissions from 11 submitters: Benign (3); Likely benign (8). Last evaluated 2026-03-31.

Conditions:
Familial colorectal cancer type X. Identifiers: Orphanet 440437, MedGen C3896578, MONDO:0018604.
Hereditary cancer-predisposing syndrome. Also called: Tumor predisposition; Hereditary Cancer Syndrome; Neoplastic Syndromes, Hereditary; Hereditary neoplastic syndrome. Identifiers: Orphanet 140162, MedGen C0027672, MeSH D009386, MONDO:0015356.
POLD1-related polyposis and colorectal cancer syndrome (CRCS10). Also called: Colorectal cancer 10; COLORECTAL CANCER, SUSCEPTIBILITY TO, ON CHROMOSOME 19q; Colorectal cancer, susceptibility to, 10. Identifiers: Orphanet 220460, MedGen C2675481, MONDO:0012953, OMIM 612591.

Allele frequency attached by ClinVar (database versions not stated): gnomAD exomes 0.00011 and 0.00020; 1000 Genomes Project 30x 0.00062; ExAC 0.00063; ESP Exome Variant Server 0.00078; 1000 Genomes Project 0.00080; gnomAD 0.00103 and 0.00112; TOPMed 0.00122.
gnomAD v4.1: 318 of 1,565,786 alleles (0.02%); highest among the groups gnomAD compares: African/African-American, 0.37%; no homozygotes.

Submissions (11):

Women's Health and Genetics/Laboratory Corporation of America, LabCorp
Classification: Likely benign. Last evaluated: 2026-03-31. Review status: criteria provided, single submitter. Criteria: LabCorp Variant Classification Summary - May 2015. Collection method: clinical testing. Allele origin: germline.

CeGaT Center for Human Genetics Tuebingen
Classification: Likely benign. Last evaluated: 2026-03-01. Review status: criteria provided, single submitter. Criteria: CeGaT Center For Human Genetics Tuebingen Variant Classification Criteria Version 2. Collection method: clinical testing. Allele origin: germline. Affected: yes. Observed: 1 variant allele.
Comment: POLD1: BP4, BP7

Labcorp Genetics (formerly Invitae), Labcorp
Classification: Benign for POLD1-related polyposis and colorectal cancer syndrome. Last evaluated: 2026-02-03. Review status: criteria provided, single submitter. Criteria: Invitae Variant Classification Sherloc (09022015). Collection method: clinical testing. Allele origin: germline.

Center for Genomic Medicine, Rigshospitalet, Copenhagen University Hospital
Classification: Likely benign. Last evaluated: 2025-03-04. Review status: criteria provided, single submitter. Criteria: ACMG Guidelines, 2015. Collection method: clinical testing. Allele origin: germline.

Blueprint Genetics
Classification: Likely benign. Last evaluated: 2024-08-15. Review status: criteria provided, single submitter. Criteria: ACMG Guidelines, 2015. Collection method: clinical testing. Allele origin: germline.

Department of Pathology and Laboratory Medicine, Sinai Health System
Classification: Likely benign for Familial colorectal cancer type X. Last evaluated: 2024-01-12. Review status: criteria provided, single submitter. Criteria: ACMG Guidelines, 2015. Collection method: clinical testing. Allele origin: germline. Affected: yes.

KCCC/NGS Laboratory, Kuwait Cancer Control Center
Classification: Benign for POLD1-related polyposis and colorectal cancer syndrome. Last evaluated: 2023-07-07. Review status: criteria provided, single submitter. Criteria: ACMG Guidelines, 2015. Collection method: clinical testing. Allele origin: germline. Affected: yes.

GeneDx
Classification: Likely benign. Last evaluated: 2021-05-11. Review status: criteria provided, single submitter. Criteria: GeneDx Variant Classification Process June 2021. Collection method: clinical testing. Allele origin: germline. Affected: yes.

Genetic Services Laboratory, University of Chicago
Classification: Likely benign. Last evaluated: 2017-11-21. Review status: criteria provided, single submitter. Criteria: ACMG Guidelines, 2015. Collection method: clinical testing. Allele origin: germline. Affected: no.

Quest Diagnostics Nichols Institute San Juan Capistrano
Classification: Benign. Last evaluated: 2017-08-02. Review status: criteria provided, single submitter. Criteria: Quest Diagnostics criteria. Collection method: clinical testing. Allele origin: germline.

Ambry Genetics
Classification: Likely benign for Hereditary cancer-predisposing syndrome. Last evaluated: 2015-07-09. Review status: criteria provided, single submitter. Criteria: Ambry Variant Classification Scheme 2023. Collection method: clinical testing. Allele origin: germline.

NM_002691.4(POLD1):c.2979G>A (p.Thr993=)

Gene: POLD1 (DNA polymerase delta 1, catalytic subunit; plus strand). Cytogenetic location: 19q13.33.
Variant type: single nucleotide variant.
Coding change: c.2979G>A on transcript NM_002691.4 (MANE Select); coding-DNA position 2979, G replaced by A.
Protein change: p.Thr993=; no amino-acid change (threonine 993 retained).
Molecular consequence: synonymous variant. On other transcripts: non-coding transcript variant (1).
Genome position (GRCh38, 1-based): chr19:50,416,635, G>A. VCF-style: chr19-50416635-G-A. GRCh37 (hg19) VCF-style: chr19-50919892-G-A.
Other names: c.2979G>A, p.Thr993= (NM_001256849.1); c.3057G>A, p.Thr1019= (NM_001308632.1).
Identifiers: ClinVar variation 239325 (VCV000239325.32), dbSNP rs3218774, ClinGen allele CA9596720.